The following is an entry in ClinVar:

NM_006015.6(ARID1A):c.6414A>G (p.Thr2138=)

Gene: ARID1A (AT-rich interaction domain 1A; plus strand). Cytogenetic location: 1p36.11.
Variant type: single nucleotide variant.
Coding change: c.6414A>G on transcript NM_006015.6 (MANE Select); coding-DNA position 6414, A replaced by G.
Protein change: p.Thr2138=; no amino-acid change (threonine 2138 retained).
Molecular consequence: synonymous variant.
Genome position (GRCh38, 1-based): chr1:26,780,312, A>G. VCF-style: chr1-26780312-A-G. GRCh37 (hg19) VCF-style: chr1-27106803-A-G.
Other names: c.5763A>G, p.Thr1921= (NM_139135.4).
Identifiers: ClinVar variation 3898282 (VCV003898282.7).
Genomic context (GRCh38, chr1:26,780,312, plus strand): 5'-CTTGGAAACCCTCAGCAAACTCAGCATCCAGGACAACAATGTGGACCTGATTCTGGCCAC[A>G]CCCCCCTTCAGCCGCCTGGAGAAGTTGTATAGCACTATGGTGCGCTTCCTCAGTGACCGA-3'
Protein context (NP_006006.3, residues 2128-2148): QDNNVDLILA[Thr2138=]PPFSRLEKLY

ClinVar aggregate classification (germline): Likely benign (1 of 4 stars; one submission).

Submission:

CeGaT Center for Human Genetics Tuebingen
Classification: Likely benign. Last evaluated: 2025-04-01. Review status: criteria provided, single submitter. Criteria: CeGaT Center For Human Genetics Tuebingen Variant Classification Criteria Version 2. Collection method: clinical testing. Allele origin: germline. Affected: yes. Observed: 1 variant allele.
Comment: ARID1A: PM2:Supporting, BP4, BP7